The following is an entry in ClinVar:

ClinVar aggregate classification (germline): Pathogenic/Likely pathogenic. Review status: criteria provided, multiple submitters, no conflicts (2 of 4 stars). 3 submissions from 3 submitters: Pathogenic (2); Likely pathogenic (1). Last evaluated 2025-10-03.

Submissions (3):

GeneDx
Classification: Pathogenic. Last evaluated: 2025-10-03. Review status: criteria provided, single submitter. Criteria: GeneDx Variant Classification Process June 2021. Collection method: clinical testing. Allele origin: germline. Affected: yes.
Comment: Canonical splice site variant predicted to result in an in-frame loss of the adjacent exon in a gene for which loss of function is a known mechanism of disease; Not observed at significant frequency in large population cohorts (gnomAD); This variant is associated with the following publications: (PMID: 31038472)

Labcorp Genetics (formerly Invitae), Labcorp
Classification: Likely pathogenic. Last evaluated: 2025-08-10. Review status: criteria provided, single submitter. Criteria: Invitae Variant Classification Sherloc (09022015). Collection method: clinical testing. Allele origin: germline.
Comment: This sequence change affects a donor splice site in intron 4 of the SPTA1 gene. It is expected to disrupt RNA splicing. Variants that disrupt the donor or acceptor splice site typically lead to a loss of protein function (PMID: 16199547), and loss-of-function variants in SPTA1 are known to be pathogenic (PMID: 9192783, 18815189, 31333484, 31723846, 32266426). This variant is present in population databases (no rsID available, gnomAD 0.0009%). Disruption of this splice site has been observed in individual(s) with hereditary spherocytosis (PMID: 31038472). ClinVar contains an entry for this variant (Variation ID: 2690496). Algorithms developed to predict the effect of sequence changes on RNA splicing suggest that this variant may disrupt the consensus splice site. In summary, the currently available evidence indicates that the variant is pathogenic, but additional data are needed to prove that conclusively. Therefore, this variant has been classified as Likely Pathogenic.

Revvity Omics, Revvity
Classification: Pathogenic. Last evaluated: 2023-04-25. Review status: criteria provided, single submitter. Criteria: ACMG Guidelines, 2015. Collection method: clinical testing. Allele origin: germline.

Literature cited by the submitters: PubMed 16199547 (cited by Labcorp Genetics (formerly Invitae), Labcorp); PubMed 9192783 (cited by Labcorp Genetics (formerly Invitae), Labcorp); PubMed 18815189 (cited by Labcorp Genetics (formerly Invitae), Labcorp); PubMed 31333484 (cited by Labcorp Genetics (formerly Invitae), Labcorp); PubMed 31723846 (cited by Labcorp Genetics (formerly Invitae), Labcorp); PubMed 32266426 (cited by Labcorp Genetics (formerly Invitae), Labcorp); PubMed 31038472 (cited by Labcorp Genetics (formerly Invitae), Labcorp).

NM_003126.4(SPTA1):c.531+1G>A

Gene: SPTA1 (spectrin alpha, erythrocytic 1; minus strand). Cytogenetic location: 1q23.1.
Variant type: single nucleotide variant.
Coding change: c.531+1G>A on transcript NM_003126.4 (MANE Select); the canonical splice donor site of the intron after coding-DNA position 531, G replaced by A.
Molecular consequence: splice donor variant.
Genome position (GRCh38, 1-based): chr1:158,681,526, C>T on the plus strand (G>A on the coding strand, the complement: SPTA1 is on the minus strand). VCF-style: chr1-158681526-C-T. GRCh37 (hg19) VCF-style: chr1-158651316-C-T.
Identifiers: ClinVar variation 2690496 (VCV002690496.4), dbSNP rs1402383909, ClinGen allele CA343021775.